The following is an entry in ClinVar:

NM_001365276.2(TNXB):c.4556C>T (p.Pro1519Leu)

Gene: TNXB (tenascin XB; minus strand). Cytogenetic location: 6p21.33.
Variant type: single nucleotide variant.
Coding change: c.4556C>T on transcript NM_001365276.2 (MANE Select); coding-DNA position 4556, C replaced by T.
Protein change: p.Pro1519Leu; replaces proline 1519 with leucine.
Molecular consequence: missense variant.
Genome position (GRCh38, 1-based): chr6:32,073,772, G>A on the plus strand (C>T on the coding strand, the complement: TNXB is on the minus strand). VCF-style: chr6-32073772-G-A. GRCh37 (hg19) VCF-style: chr6-32041549-G-A.
Other names: c.4556C>T, p.Pro1519Leu (NM_019105.8); short protein forms P1519L.
Identifiers: ClinVar variation 2446309 (VCV002446309.3), dbSNP rs373057447, ClinGen allele CA3734929.

ClinVar aggregate classification (germline): Uncertain significance. Review status: criteria provided, multiple submitters, no conflicts (2 of 4 stars). 2 submissions from 2 submitters: Uncertain significance (2). Last evaluated 2025-04-28.

Allele frequency attached by ClinVar (database versions not stated): TOPMed 0.00002; ExAC 0.00003; ESP Exome Variant Server 0.00013; gnomAD 0.00002.
gnomAD v4.1: 17 of 1,612,368 alleles (0.0011%); highest among the groups gnomAD compares: Middle Eastern, 0.016%; no homozygotes.

Submissions (2):

Women's Health and Genetics/Laboratory Corporation of America, LabCorp
Classification: Uncertain significance. Last evaluated: 2025-04-28. Review status: criteria provided, single submitter. Criteria: LabCorp Variant Classification Summary - May 2015. Collection method: clinical testing. Allele origin: germline.
Comment: Variant summary: TNXB c.4556C>T (p.Pro1519Leu) results in a non-conservative amino acid change in the encoded protein sequence. Three of five in-silico tools predict a benign effect of the variant on protein function. The variant allele was found at a frequency of 8.2e-06 in 243540 control chromosomes. The available data on variant occurrences in the general population are insufficient to allow any conclusion about variant significance. To our knowledge, no occurrence of c.4556C>T in individuals affected with Ehlers-Danlos syndrome due to tenascin-X deficiency and no experimental evidence demonstrating its impact on protein function have been reported. ClinVar contains an entry for this variant (Variation ID: 2446309). Based on the evidence outlined above, the variant was classified as uncertain significance.

GeneDx
Classification: Uncertain significance. Last evaluated: 2022-09-26. Review status: criteria provided, single submitter. Criteria: GeneDx Variant Classification Process June 2021. Collection method: clinical testing. Allele origin: germline. Affected: yes.
Comment: Not observed at significant frequency in large population cohorts (gnomAD); In silico analysis supports that this missense variant has a deleterious effect on protein structure/function; Has not been previously published as pathogenic or benign to our knowledge